The following is an entry in ClinVar:

ClinVar aggregate classification (germline): Likely pathogenic (1 of 4 stars; one submission).

Conditions:
Oculocutaneous albinism type 4 (OCA4). Also called: Albinism, oculocutaneous, type IV. Identifiers: Orphanet 79435, MedGen C1847836, MONDO:0011683, OMIM 606574.

Submission:

Victorian Clinical Genetics Services, Murdoch Childrens Research Institute
Classification: Likely pathogenic for Oculocutaneous albinism type 4. Last evaluated: 2023-12-21. Review status: criteria provided, single submitter. Criteria: ACMG Guidelines, 2015. Collection method: clinical testing. Allele origin: germline. Inheritance: Autosomal recessive inheritance. Affected: yes.
Comment: Based on the classification scheme VCGS_Germline_v1.3.4, this variant is classified as Likely pathogenic. Following criteria are met: 0102 - Loss of function is a known mechanism of disease in this gene and is associated with type IV oculocutaneous albinism (MIM#606574). (I) 0106 - This gene is associated with autosomal recessive disease. (I) 0211 - Canonical splice site variant without proven consequence on splicing (no functional evidence available). (SP) 0251 - This variant is heterozygous. (I) 0301 - Variant is absent from gnomAD (both v2 and v3). (SP) 0505 - Abnormal splicing is predicted by in silico tools and affected nucleotide is highly conserved. (SP) 0705 - No comparable splice site variants have previous evidence for pathogenicity. (I) 0807 - This variant has no previous evidence of pathogenicity. (I) 0905 - No published segregation evidence has been identified for this variant. (I) 1007 - No published functional evidence has been identified for this variant. (I) 1201 - Heterozygous variant detected in trans with a second pathogenic heterozygous variant, NM_016180.4(SLC45A2):c.478G>C; p.(Asp160His), in a recessive disease. (I) Legend: (SP) - Supporting pathogenic, (I) - Information, (SB) - Supporting benign

NM_016180.5(SLC45A2):c.385+1G>A

Gene: SLC45A2 (solute carrier family 45 member 2; minus strand). Cytogenetic location: 5p13.2.
Variant type: single nucleotide variant.
Coding change: c.385+1G>A on transcript NM_016180.5 (MANE Select); the canonical splice donor site of the intron after coding-DNA position 385, G replaced by A.
Molecular consequence: splice donor variant.
Genome position (GRCh38, 1-based): chr5:33,984,198, C>T on the plus strand (G>A on the coding strand, the complement: SLC45A2 is on the minus strand). VCF-style: chr5-33984198-C-T. GRCh37 (hg19) VCF-style: chr5-33984303-C-T.
Other names: c.385+1G>A (NM_001012509.4, NM_001297417.4).
Identifiers: ClinVar variation 3255064 (VCV003255064.1), dbSNP rs2478921389.